The following is an entry in ClinVar:

NM_000815.5(GABRD):c.1150C>T (p.Pro384Ser)

Gene: GABRD (gamma-aminobutyric acid type A receptor subunit delta; plus strand). Cytogenetic location: 1p36.33.
Variant type: single nucleotide variant.
Coding change: c.1150C>T on transcript NM_000815.5 (MANE Select); coding-DNA position 1150, C replaced by T.
Protein change: p.Pro384Ser; replaces proline 384 with serine.
Molecular consequence: missense variant.
Genome position (GRCh38, 1-based): chr1:2,030,073, C>T. VCF-style: chr1-2030073-C-T. GRCh37 (hg19) VCF-style: chr1-1961512-C-T.
Other names: short protein forms P384S.
Identifiers: ClinVar variation 460006 (VCV000460006.16), dbSNP rs79386457, ClinGen allele CA534930.
Genomic context (GRCh38, chr1:2,030,073, plus strand): 5'-TCCCTCTCTGCTGCCGGCGTCACGCAGGAGCTGGCCATCTCCCGCCGGCAGCGCCGCGTC[C>T]CGGGGAACCTGATGGGCTCCTACAGGTCGGTGGGGGTGGAGACAGGGGAGACGAAGAAGG-3'
Protein context (NP_000806.2, residues 374-394): LAISRRQRRV[Pro384Ser]GNLMGSYRSV

ClinVar aggregate classification (germline): Likely benign. Review status: criteria provided, multiple submitters, no conflicts (2 of 4 stars). 4 submissions from 4 submitters: Likely benign (2). 2 of the submissions do not count toward it. Last evaluated 2026-01-19.

Conditions:
Intellectual disability. Also called: Intellectual functioning disability; Intellectual developmental disorder; intellectual disabilities. Identifiers: MedGen C3714756, MeSH D008607, MONDO:0001071, HP:0001249.
GABRD-related disorder. Also called: GABRD-related condition.
Idiopathic generalized epilepsy. Also called: EIG; Generalised epilepsy. Identifiers: MedGen C0270850, MONDO:0005579, OMIM 600669.

Allele frequency attached by ClinVar (database versions not stated): ExAC 0.00066; gnomAD 0.00048 and 0.00050; TOPMed 0.00049; ESP Exome Variant Server 0.00054; gnomAD exomes 0.00066.
gnomAD v4.1: 732 of 1,608,874 alleles (0.045%); highest among the groups gnomAD compares: Middle Eastern, 0.89%; 1 homozygote.

Submissions (4):

Labcorp Genetics (formerly Invitae), Labcorp
Classification: Likely benign for Idiopathic generalized epilepsy. Last evaluated: 2026-01-19. Review status: criteria provided, single submitter. Criteria: Invitae Variant Classification Sherloc (09022015). Collection method: clinical testing. Allele origin: germline.

Breakthrough Genomics
Classification: Likely benign. Review status: criteria provided, single submitter. Criteria: ACMG Guidelines, 2015. Collection method: not provided. Allele origin: germline. Inheritance: Autosomal dominant inheritance. Affected: yes.

PreventionGenetics, part of Exact Sciences
Classification: Likely benign for GABRD-related condition. Last evaluated: 2022-09-14. Review status: no assertion criteria provided. Collection method: clinical testing. Allele origin: germline. Not counted in ClinVar's aggregate classification.
Comment: This variant is classified as likely benign based on ACMG/AMP sequence variant interpretation guidelines (Richards et al. 2015 PMID: 25741868, with internal and published modifications).

Centre de Biologie Pathologie Génétique, Centre Hospitalier Universitaire de Lille
Classification: Likely benign for Intellectual disability. Last evaluated: 2019-01-01. Review status: no assertion criteria provided. Collection method: clinical testing. Allele origin: inherited. Affected: yes. Not counted in ClinVar's aggregate classification.